The following is an entry in ClinVar:

NM_033380.3(COL4A5):c.178G>A (p.Gly60Arg)

Gene: COL4A5 (collagen type IV alpha 5 chain; plus strand). Cytogenetic location: Xq22.3.
Variant type: single nucleotide variant.
Coding change: c.178G>A on transcript NM_033380.3 (MANE Select); coding-DNA position 178, G replaced by A.
Protein change: p.Gly60Arg; replaces glycine 60 with arginine.
Molecular consequence: missense variant.
Genome position (GRCh38, 1-based): chrX:108,559,100, G>A. VCF-style: chrX-108559100-G-A. GRCh37 (hg19) VCF-style: chrX-107802330-G-A.
Other names: c.178G>A, p.Gly60Arg (NM_000495.5); short protein forms G60R.
Identifiers: ClinVar variation 2826673 (VCV002826673.3), dbSNP rs867718675, ClinGen allele CA334177338.

ClinVar aggregate classification (germline): Likely pathogenic (1 of 4 stars; one submission).

Submission:

Labcorp Genetics (formerly Invitae), Labcorp
Classification: Likely pathogenic. Last evaluated: 2023-08-07. Review status: criteria provided, single submitter. Criteria: Invitae Variant Classification Sherloc (09022015). Collection method: clinical testing. Allele origin: germline.
Comment: In summary, the currently available evidence indicates that the variant is pathogenic, but additional data are needed to prove that conclusively. Therefore, this variant has been classified as Likely Pathogenic. This variant disrupts the triple helix domain of COL4A5. Glycine residues within the Gly-Xaa-Yaa repeats of the triple helix domain are required for the structure and stability of fibrillar collagens (PMID: 7695699, 8218237, 19344236). In COL4A5, missense variants at these glycine residues are significantly enriched in individuals with disease (PMID: 23720012, 27627812) compared to the general population (ExAC). Advanced modeling of protein sequence and biophysical properties (such as structural, functional, and spatial information, amino acid conservation, physicochemical variation, residue mobility, and thermodynamic stability) performed at Invitae indicates that this missense variant is expected to disrupt COL4A5 protein function. This variant has not been reported in the literature in individuals affected with COL4A5-related conditions. This variant is not present in population databases (gnomAD no frequency). This sequence change replaces glycine, which is neutral and non-polar, with arginine, which is basic and polar, at codon 60 of the COL4A5 protein (p.Gly60Arg).

Literature cited by the submitters: PubMed 7695699; PubMed 8218237; PubMed 19344236; PubMed 23720012; PubMed 27627812.